The following is an entry in ClinVar:

NM_001034853.2(RPGR):c.869del (p.Glu290fs)

Gene: RPGR (retinitis pigmentosa GTPase regulator; minus strand). Cytogenetic location: Xp11.4.
Variant type: Deletion.
Coding change: c.869del on transcript NM_001034853.2 (MANE Select); coding-DNA position 869, one base deleted (A; older notation c.869delA).
Protein change: p.Glu290fs; shifts the reading frame from glutamic acid 290.
Molecular consequence: frameshift variant. On other transcripts: non-coding transcript variant (5).
Genome position (GRCh38, 1-based): chrX:38,304,700, T deleted on the plus strand (A on the coding strand, the reverse complement: RPGR is on the minus strand). VCF-style (leftmost placement, unchanged base first): chrX-38304699-CT-C. GRCh37 (hg19) VCF-style: chrX-38163952-CT-C.
Other names: c.869del, p.Glu290fs (NM_000328.3, NM_001367246.1, NM_001367247.1 and 1 more transcripts); c.866del, p.Glu289fs (NM_001367245.1, NM_001367249.1, NM_001367250.1); c.899del, p.Glu300fs (NM_001367248.1); short protein forms E300fs, E290fs, E289fs.
Identifiers: ClinVar variation 98807 (VCV000098807.9), dbSNP rs62640588, ClinGen allele CA226454.

ClinVar aggregate classification (germline): Pathogenic. Review status: criteria provided, multiple submitters, no conflicts (2 of 4 stars). 4 submissions from 4 submitters: Pathogenic (3). 1 of the submissions does not count toward it. Last evaluated 2025-06-11.

Conditions:
RPGR-related disorder. Also called: RPGR-related condition.
Primary ciliary dyskinesia. Also called: Ciliary dyskinesia. Identifiers: Orphanet 244, MedGen C0008780, MONDO:0016575, HP:0012265.

Submissions (4):

Labcorp Genetics (formerly Invitae), Labcorp
Classification: Pathogenic for Primary ciliary dyskinesia. Last evaluated: 2025-06-11. Review status: criteria provided, single submitter. Criteria: Invitae Variant Classification Sherloc (09022015). Collection method: clinical testing. Allele origin: germline.
Comment: This sequence change creates a premature translational stop signal (p.Glu290Glyfs*8) in the RPGR gene. It is expected to result in an absent or disrupted protein product. Loss-of-function variants in RPGR are known to be pathogenic (PMID: 16055928, 16969763). This variant is not present in population databases (gnomAD no frequency). This premature translational stop signal has been observed in individual(s) with retinitis pigmentosa (PMID: 9399904). This variant is also known as 928delA. ClinVar contains an entry for this variant (Variation ID: 98807). Algorithms developed to predict the effect of sequence changes on RNA splicing suggest that this variant may disrupt the consensus splice site. For these reasons, this variant has been classified as Pathogenic.

Blueprint Genetics
Classification: Pathogenic for RPGR-related disorders. Last evaluated: 2022-10-28. Review status: criteria provided, single submitter. Criteria: ACMG Guidelines, 2015. Collection method: clinical testing. Allele origin: germline. Affected: yes. Observed: 5 variant alleles.

PreventionGenetics, part of Exact Sciences
Classification: Pathogenic. Last evaluated: 2019-02-12. Review status: criteria provided, single submitter. Criteria: ACMG Guidelines, 2015. Collection method: clinical testing. Allele origin: germline.

Retina International
No classification provided. Review status: no classification provided. Collection method: not provided. Allele origin: not provided. Not counted in ClinVar's aggregate classification.

Literature cited by the submitters: PubMed 16055928 (cited by Labcorp Genetics (formerly Invitae), Labcorp); PubMed 16969763 (cited by Labcorp Genetics (formerly Invitae), Labcorp); PubMed 9399904 (cited by Labcorp Genetics (formerly Invitae), Labcorp).